The following is an entry in ClinVar:

NM_000548.5(TSC2):c.5110T>C (p.Ser1704Pro)

Gene: TSC2 (TSC complex subunit 2; plus strand). Cytogenetic location: 16p13.3.
Variant type: single nucleotide variant.
Coding change: c.5110T>C on transcript NM_000548.5 (MANE Select); coding-DNA position 5110, T replaced by C.
Protein change: p.Ser1704Pro; replaces serine 1704 with proline.
Molecular consequence: missense variant.
Genome position (GRCh38, 1-based): chr16:2,088,089, T>C. VCF-style: chr16-2088089-T-C. GRCh37 (hg19) VCF-style: chr16-2138090-T-C.
Other names: c.4909T>C, p.Ser1637Pro (NM_001077183.3); c.5041T>C, p.Ser1681Pro (NM_001114382.3); c.4801T>C, p.Ser1601Pro (NM_001318827.2); c.4765T>C, p.Ser1589Pro (NM_001318829.2); c.4378T>C, p.Ser1460Pro (NM_001318831.2); c.4942T>C, p.Ser1648Pro (NM_001318832.2); c.4912T>C, p.Ser1638Pro (NM_001363528.2); c.4978T>C, p.Ser1660Pro (NM_001370404.1); and 1 more; short protein forms S1637P, S1638P, S1660P, S1681P, S1601P, S1704P, S1589P, S1661P.
Identifiers: ClinVar variation 840043 (VCV000840043.9), dbSNP rs45474691, ClinGen allele CA394312277.

ClinVar aggregate classification (germline): Uncertain significance. Review status: criteria provided, multiple submitters, no conflicts (2 of 4 stars). 2 submissions from 2 submitters: Uncertain significance (2). Last evaluated 2023-12-26.

Conditions:
Tuberous sclerosis 2 (TSC2). Identifiers: Orphanet 805, MedGen C1860707, MONDO:0013199, OMIM 613254.
Hereditary cancer-predisposing syndrome. Also called: Neoplastic Syndromes, Hereditary; Hereditary neoplastic syndrome; Tumor predisposition; Hereditary Cancer Syndrome. Identifiers: Orphanet 140162, MedGen C0027672, MeSH D009386, MONDO:0015356.

Submissions (2):

Ambry Genetics
Classification: Uncertain significance for Hereditary cancer-predisposing syndrome. Last evaluated: 2023-12-26. Review status: criteria provided, single submitter. Criteria: Ambry Variant Classification Scheme 2023. Collection method: clinical testing. Allele origin: germline.
Comment: The p.S1704P variant (also known as c.5110T>C), located in coding exon 39 of the TSC2 gene, results from a T to C substitution at nucleotide position 5110. The serine at codon 1704 is replaced by proline, an amino acid with similar properties. This amino acid position is highly conserved in available vertebrate species. In addition, this alteration is predicted to be deleterious by in silico analysis. Since supporting evidence is limited at this time, the clinical significance of this alteration remains unclear.

Labcorp Genetics (formerly Invitae), Labcorp
Classification: Uncertain significance for Tuberous sclerosis 2. Last evaluated: 2021-08-24. Review status: criteria provided, single submitter. Criteria: Invitae Variant Classification Sherloc (09022015). Collection method: clinical testing. Allele origin: germline.
Comment: This sequence change replaces serine with proline at codon 1704 of the TSC2 protein (p.Ser1704Pro). The serine residue is highly conserved and there is a moderate physicochemical difference between serine and proline. This variant is not present in population databases (ExAC no frequency). This variant has not been reported in the literature in individuals affected with TSC2-related conditions. Algorithms developed to predict the effect of missense changes on protein structure and function are either unavailable or do not agree on the potential impact of this missense change (SIFT: "Deleterious"; PolyPhen-2: "Benign"; Align-GVGD: "Class C0"). In summary, the available evidence is currently insufficient to determine the role of this variant in disease. Therefore, it has been classified as a Variant of Uncertain Significance.